The following is an entry in ClinVar:

NM_002474.3(MYH11):c.3853C>G (p.Leu1285Val)

Gene: MYH11 (myosin heavy chain 11; minus strand). Cytogenetic location: 16p13.11.
Variant type: single nucleotide variant.
Coding change: c.3853C>G on transcript NM_002474.3 (MANE Select); coding-DNA position 3853, C replaced by G.
Protein change: p.Leu1285Val; replaces leucine 1285 with valine.
Molecular consequence: missense variant.
Genome position (GRCh38, 1-based): chr16:15,726,853, G>C on the plus strand (C>G on the coding strand, the complement: MYH11 is on the minus strand). VCF-style: chr16-15726853-G-C. GRCh37 (hg19) VCF-style: chr16-15820710-G-C.
Other names: c.3874C>G, p.Leu1292Val (NM_001040113.2, NM_001040114.2); c.3853C>G, p.Leu1285Val (NM_022844.3); short protein forms L1285V, L1292V.
Identifiers: ClinVar variation 432674 (VCV000432674.11), dbSNP rs1023178766, ClinGen allele CA278609324.

ClinVar aggregate classification (germline): Uncertain significance. Review status: criteria provided, multiple submitters, no conflicts (2 of 4 stars). 4 submissions from 4 submitters: Uncertain significance (4). Last evaluated 2022-08-01.

Conditions:
Familial thoracic aortic aneurysm and aortic dissection (TAAD). Also called: Thoracic aortic aneurysms and dissections. Identifiers: Orphanet 91387, MedGen C4707243, MONDO:0019625.
Aortic aneurysm, familial thoracic 4 (AAT4). Also called: AORTIC ANEURYSM/AORTIC DISSECTION AND PATENT DUCTUS ARTERIOSUS. Identifiers: MedGen C1851504, MONDO:0007568, OMIM 132900.
Visceral myopathy 2. Identifiers: MedGen C5543466, MONDO:0859157, OMIM 619350.
Megacystis-microcolon-intestinal hypoperistalsis syndrome 2. Identifiers: MedGen C5543476, MONDO:0025708, OMIM 619351.

Allele frequency attached by ClinVar (database versions not stated): gnomAD exomes below 0.00001; TOPMed 0.00002; gnomAD 0.00003.
gnomAD v4.1: 6 of 1,611,880 alleles (0.00037%); highest among the groups gnomAD compares: African/African-American, 0.0053%; no homozygotes.

Submissions (4):

Labcorp Genetics (formerly Invitae), Labcorp
Classification: Uncertain significance for Aortic aneurysm, familial thoracic 4. Last evaluated: 2022-08-01. Review status: criteria provided, single submitter. Criteria: Invitae Variant Classification Sherloc (09022015). Collection method: clinical testing. Allele origin: germline.
Comment: This sequence change replaces leucine, which is neutral and non-polar, with valine, which is neutral and non-polar, at codon 1292 of the MYH11 protein (p.Leu1292Val). The frequency data for this variant in the population databases is considered unreliable, as metrics indicate poor data quality at this position in the gnomAD database. This variant has not been reported in the literature in individuals affected with MYH11-related conditions. ClinVar contains an entry for this variant (Variation ID: 432674). Algorithms developed to predict the effect of missense changes on protein structure and function are either unavailable or do not agree on the potential impact of this missense change (SIFT: "Deleterious"; PolyPhen-2: "Benign"; Align-GVGD: "Class C0"). Algorithms developed to predict the effect of sequence changes on RNA splicing suggest that this variant may create or strengthen a splice site. In summary, the available evidence is currently insufficient to determine the role of this variant in disease. Therefore, it has been classified as a Variant of Uncertain Significance.

GeneDx
Classification: Uncertain significance. Last evaluated: 2022-05-13. Review status: criteria provided, single submitter. Criteria: GeneDx Variant Classification Process June 2021. Collection method: clinical testing. Allele origin: germline. Affected: yes.
Comment: Not observed at significant frequency in large population cohorts (gnomAD); In silico analysis suggests this variant may impact gene splicing. In the absence of RNA/functional studies, the actual effect of this sequence change is unknown.; In silico analysis supports that this missense variant does not alter protein structure/function; Has not been previously published as pathogenic or benign to our knowledge

Fulgent Genetics
Classification: Uncertain significance for Aortic aneurysm, familial thoracic 4; Visceral myopathy 2; Megacystis-microcolon-intestinal hypoperistalsis syndrome 2. Last evaluated: 2021-10-13. Review status: criteria provided, single submitter. Criteria: ACMG Guidelines, 2015. Collection method: clinical testing. Allele origin: unknown.

Ambry Genetics
Classification: Uncertain significance for Familial thoracic aortic aneurysm and aortic dissection. Last evaluated: 2016-04-26. Review status: criteria provided, single submitter. Criteria: Ambry Variant Classification Scheme 2023. Collection method: clinical testing. Allele origin: germline.
Comment: The p.L1285V variant (also known as c.3853C>G), located in coding exon 27 of the MYH11 gene, results from a C to G substitution at nucleotide position 3853. The leucine at codon 1285 is replaced by valine, an amino acid with highly similar properties. This variant was not reported in population based cohorts in the following databases: Database of Single Nucleotide Polymorphisms (dbSNP), NHLBI Exome Sequencing Project (ESP), and 1000 Genomes Project. In the ESP, this variant was not observed in 6497 samples (12994 alleles) with coverage at this position. This amino acid position is well conserved in available vertebrate species; however, valine is the reference amino acid in other vertebrate species. In addition, this alteration is predicted to be tolerated by in silico analysis. Since supporting evidence is limited at this time, the clinical significance of this variant remains unclear.